The following is an entry in ClinVar:

NM_000548.5(TSC2):c.4822T>A (p.Tyr1608Asn)

Gene: TSC2 (TSC complex subunit 2; plus strand). Cytogenetic location: 16p13.3.
Variant type: single nucleotide variant.
Coding change: c.4822T>A on transcript NM_000548.5 (MANE Select); coding-DNA position 4822, T replaced by A.
Protein change: p.Tyr1608Asn; replaces tyrosine 1608 with asparagine.
Molecular consequence: missense variant.
Genome position (GRCh38, 1-based): chr16:2,086,352, T>A. VCF-style: chr16-2086352-T-A. GRCh37 (hg19) VCF-style: chr16-2136353-T-A.
Other names: c.4621T>A, p.Tyr1541Asn (NM_001077183.3); c.4753T>A, p.Tyr1585Asn (NM_001114382.3); c.4513T>A, p.Tyr1505Asn (NM_001318827.2); c.4477T>A, p.Tyr1493Asn (NM_001318829.2); c.4090T>A, p.Tyr1364Asn (NM_001318831.2); c.4654T>A, p.Tyr1552Asn (NM_001318832.2); c.4624T>A, p.Tyr1542Asn (NM_001363528.2); c.4690T>A, p.Tyr1564Asn (NM_001370404.1); and 1 more; short protein forms Y1608N, Y1541N, Y1564N, Y1585N, Y1542N, Y1552N, Y1364N, Y1493N.
Identifiers: ClinVar variation 238064 (VCV000238064.14), dbSNP rs878854111, ClinGen allele CA10583339.

ClinVar aggregate classification (germline): Conflicting classifications of pathogenicity. Review status: criteria provided, conflicting classifications (1 of 4 stars). 6 submissions from 6 submitters: Uncertain significance (5); Likely benign (1). Last evaluated 2025-07-01.

Conditions:
Isolated focal cortical dysplasia type II (FCORD2). Also called: Focal cortical dysplasia type II; CORTICAL DYSPLASIA OF TAYLOR. Identifiers: Orphanet 268994, MedGen C1846385, MONDO:0011818, OMIM 607341, HP:0032051.
Hereditary cancer-predisposing syndrome. Also called: Tumor predisposition; Hereditary Cancer Syndrome; Hereditary neoplastic syndrome; Neoplastic Syndromes, Hereditary. Identifiers: Orphanet 140162, MedGen C0027672, MeSH D009386, MONDO:0015356.
Tuberous sclerosis 2 (TSC2). Identifiers: Orphanet 805, MedGen C1860707, MONDO:0013199, OMIM 613254.

Allele frequency attached by ClinVar (database versions not stated): gnomAD exomes below 0.00001.
gnomAD v4.1: 2 of 1,612,822 alleles (0.00012%); highest among the groups gnomAD compares: Non-Finnish European, 0.00017%; no homozygotes.

Submissions (6):

Quest Diagnostics Nichols Institute San Juan Capistrano
Classification: Uncertain significance. Last evaluated: 2025-07-01. Review status: criteria provided, single submitter. Criteria: Quest Diagnostics criteria. Collection method: clinical testing. Allele origin: unknown.

Labcorp Genetics (formerly Invitae), Labcorp
Classification: Likely benign for Tuberous sclerosis 2. Last evaluated: 2025-05-27. Review status: criteria provided, single submitter. Criteria: Invitae Variant Classification Sherloc (09022015). Collection method: clinical testing. Allele origin: germline.

Baylor Genetics
Classification: Uncertain significance for Isolated focal cortical dysplasia type II. Last evaluated: 2024-03-25. Review status: criteria provided, single submitter. Criteria: ACMG Guidelines, 2015. Collection method: clinical testing. Allele origin: unknown.

Ambry Genetics
Classification: Uncertain significance for Hereditary cancer-predisposing syndrome. Last evaluated: 2024-01-25. Review status: criteria provided, single submitter. Criteria: Ambry Variant Classification Scheme 2023. Collection method: clinical testing. Allele origin: germline.
Comment: The p.Y1608N variant (also known as c.4822T>A), located in coding exon 36 of the TSC2 gene, results from a T to A substitution at nucleotide position 4822. The tyrosine at codon 1608 is replaced by asparagine, an amino acid with dissimilar properties. This amino acid position is highly conserved in available vertebrate species. In addition, this alteration is predicted to be deleterious by in silico analysis. Since supporting evidence is limited at this time, the clinical significance of this alteration remains unclear.

Genome-Nilou Lab
Classification: Uncertain significance for Tuberous sclerosis 2. Last evaluated: 2021-11-07. Review status: criteria provided, single submitter. Criteria: ACMG Guidelines, 2015. Collection method: clinical testing. Allele origin: germline. Affected: no.

Johns Hopkins Genomics, Johns Hopkins University
Classification: Uncertain significance for Tuberous sclerosis 2. Last evaluated: 2020-04-22. Review status: criteria provided, single submitter. Criteria: ACMG Guidelines, 2015. Collection method: clinical testing. Allele origin: germline.
Comment: This TSC2 variant is absent from a large population dataset and has not been reported in the literature, to our knowledge. A single submitter in ClinVar classifies c.4822T>A as a variant of uncertain clinical significance. Three bioinformatic tools queried predict that this substitution would be damaging, and the tyrosine residue at this position is highly evolutionarily conserved across the species assessed. Due to insufficient evidence that this variant is deleterious, we consider the clinical significance of c.4822T>A to be uncertain at this time.